The following is an entry in ClinVar:

NM_000552.5(VWF):c.4623_4624del (p.Tyr1542fs)

Gene: VWF (von Willebrand factor; minus strand). Cytogenetic location: 12p13.31.
Variant type: Deletion.
Coding change: c.4623_4624del on transcript NM_000552.5 (MANE Select); coding-DNA positions 4623 to 4624, 2 bases deleted (GT; older notation c.4623_4624delGT).
Protein change: p.Tyr1542fs; shifts the reading frame from tyrosine 1542.
Molecular consequence: frameshift variant.
Genome position (GRCh38, 1-based): chr12:6,018,794-6,018,795, AC deleted on the plus strand (GT on the coding strand, the reverse complement: VWF is on the minus strand). VCF-style (leftmost placement, unchanged base first): chr12-6018793-TAC-T. GRCh37 (hg19) VCF-style: chr12-6127959-TAC-T.
Other names: short protein forms Y1542fs.
Identifiers: ClinVar variation 4086225 (VCV004086225.1).

ClinVar aggregate classification (germline): Pathogenic (1 of 4 stars; one submission).

Conditions:
von Willebrand disease type 2 (VWD2). Also called: VON WILLEBRAND DISEASE, TYPE 2A/IIE; VON WILLEBRAND DISEASE, TYPE 2CB; VON WILLEBRAND DISEASE, TYPE II; VWD, TYPE 2. Identifiers: Orphanet 166081, Orphanet 903, MedGen C1264040, MONDO:0013304, OMIM 613554.

Submission:

Neuberg Centre For Genomic Medicine, NCGM
Classification: Pathogenic for von Willebrand disease type 2. Review status: criteria provided, single submitter. Criteria: ACMG Guidelines, 2015. Collection method: clinical testing. Allele origin: germline. Affected: yes.
Comment: The above variant has previously been reported in individuals affected with von Willebrand disease (Kasatkar P, et.al., 2014). This variant is predicted to cause loss of normal protein function through protein truncation. Loss of function variants have been previously reported to be disease causing. For these reasons, this variant has been classified as Pathogenic.